The following is an entry in ClinVar:

ClinVar aggregate classification (germline): Uncertain significance (1 of 4 stars; one submission).

gnomAD v4.1: 14 of 1,572,300 alleles (0.00089%); highest among the groups gnomAD compares: East Asian, 0.0023%; no homozygotes.

Submission:

Labcorp Genetics (formerly Invitae), Labcorp
Classification: Uncertain significance. Last evaluated: 2025-10-23. Review status: criteria provided, single submitter. Criteria: Invitae Variant Classification Sherloc (09022015). Collection method: clinical testing. Allele origin: germline.
Comment: This sequence change replaces glutamic acid, which is acidic and polar, with glutamine, which is neutral and polar, at codon 1030 of the CDAN1 protein (p.Glu1030Gln). The frequency data for this variant in the population databases is considered unreliable, as metrics indicate poor data quality at this position in the gnomAD database. This variant has not been reported in the literature in individuals affected with CDAN1-related conditions. An algorithm developed to predict the effect of missense changes on protein structure and function (PolyPhen-2) suggests that this variant is likely to be disruptive. In summary, the available evidence is currently insufficient to determine the role of this variant in disease. Therefore, it has been classified as a Variant of Uncertain Significance.

NM_138477.4(CDAN1):c.3088G>C (p.Glu1030Gln)

Gene: CDAN1 (codanin 1; minus strand). Cytogenetic location: 15q15.2.
Variant type: single nucleotide variant.
Coding change: c.3088G>C on transcript NM_138477.4 (MANE Select); coding-DNA position 3088, G replaced by C.
Protein change: p.Glu1030Gln; replaces glutamic acid 1030 with glutamine.
Molecular consequence: missense variant.
Genome position (GRCh38, 1-based): chr15:42,727,629, C>G on the plus strand (G>C on the coding strand, the complement: CDAN1 is on the minus strand). VCF-style: chr15-42727629-C-G. GRCh37 (hg19) VCF-style: chr15-43019827-C-G.
Other names: short protein forms E1030Q.
Identifiers: ClinVar variation 4749045 (VCV004749045.1).